The following is an entry in ClinVar:

NM_000187.4(HGD):c.1188+2T>A

Gene: HGD (homogentisate 1,2-dioxygenase; minus strand). Cytogenetic location: 3q13.33.
Variant type: single nucleotide variant.
Coding change: c.1188+2T>A on transcript NM_000187.4 (MANE Select); the canonical splice donor site of the intron after coding-DNA position 1188, T replaced by A.
Molecular consequence: splice donor variant.
Genome position (GRCh38, 1-based): chr3:120,633,145, A>T on the plus strand (T>A on the coding strand, the complement: HGD is on the minus strand). VCF-style: chr3-120633145-A-T. GRCh37 (hg19) VCF-style: chr3-120351992-A-T.
Identifiers: ClinVar variation 2064427 (VCV002064427.1), dbSNP rs2472651728, ClinGen allele CA354072647.

ClinVar aggregate classification (germline): Pathogenic (1 of 4 stars; one submission).

Conditions:
Alkaptonuria (AKU). Also called: Homogentisic acidura; HOMOGENTISIC ACID OXIDASE DEFICIENCY; Alkaptonuric ochronosis; Alcaptonuria. Identifiers: Orphanet 56, MedGen C0002066, MONDO:0008753, OMIM 203500.

Submission:

Labcorp Genetics (formerly Invitae), Labcorp
Classification: Pathogenic for Alkaptonuria. Last evaluated: 2022-09-13. Review status: criteria provided, single submitter. Criteria: Invitae Variant Classification Sherloc (09022015). Collection method: clinical testing. Allele origin: germline.
Comment: This sequence change affects a donor splice site in intron 13 of the HGD gene. While this variant is not anticipated to result in nonsense mediated decay, it likely alters RNA splicing and results in a disrupted protein product. This variant is not present in population databases (gnomAD no frequency). This variant has not been reported in the literature in individuals affected with HGD-related conditions. Variants that disrupt the consensus splice site are a relatively common cause of aberrant splicing (PMID: 17576681, 9536098). Algorithms developed to predict the effect of sequence changes on RNA splicing suggest that this variant may disrupt the consensus splice site. This variant disrupts a region of the HGD protein in which other variant(s) (p.Lys431Hisfs*11) have been determined to be pathogenic (PMID: 23430897, 25681086). This suggests that this is a clinically significant region of the protein, and that variants that disrupt it are likely to be disease-causing. For these reasons, this variant has been classified as Pathogenic.

Literature cited by the submitters: PubMed 17576681; PubMed 9536098; PubMed 23430897; PubMed 25681086.